The following is an entry in ClinVar:

NM_004064.5(CDKN1B):c.224A>G (p.Glu75Gly)

Gene: CDKN1B (cyclin dependent kinase inhibitor 1B; plus strand). Cytogenetic location: 12p13.1.
Variant type: single nucleotide variant.
Coding change: c.224A>G on transcript NM_004064.5 (MANE Select); coding-DNA position 224, A replaced by G.
Protein change: p.Glu75Gly; replaces glutamic acid 75 with glycine.
Molecular consequence: missense variant.
Genome position (GRCh38, 1-based): chr12:12,718,063, A>G. VCF-style: chr12-12718063-A-G. GRCh37 (hg19) VCF-style: chr12-12870997-A-G.
Other names: short protein forms E75G.
Identifiers: ClinVar variation 1788387 (VCV001788387.5), dbSNP rs1565419420, ClinGen allele CA383969618.

ClinVar aggregate classification (germline): Uncertain significance. Review status: criteria provided, multiple submitters, no conflicts (2 of 4 stars). 2 submissions from 2 submitters: Uncertain significance (2). Last evaluated 2025-05-20.

Conditions:
Hereditary cancer-predisposing syndrome. Also called: Tumor predisposition; Neoplastic Syndromes, Hereditary; Hereditary Cancer Syndrome; Hereditary neoplastic syndrome. Identifiers: Orphanet 140162, MedGen C0027672, MeSH D009386, MONDO:0015356.
Multiple endocrine neoplasia type 4. Also called: MULTIPLE ENDOCRINE NEOPLASIA, TYPE IV. Identifiers: Orphanet 276152, MedGen C1970712, MONDO:0012552, OMIM 610755.

Submissions (2):

Ambry Genetics
Classification: Uncertain significance for Hereditary cancer-predisposing syndrome. Last evaluated: 2025-05-20. Review status: criteria provided, single submitter. Criteria: Ambry Variant Classification Scheme 2023. Collection method: clinical testing. Allele origin: germline.
Comment: The p.E75G variant (also known as c.224A>G), located in coding exon 1 of the CDKN1B gene, results from an A to G substitution at nucleotide position 224. The glutamic acid at codon 75 is replaced by glycine, an amino acid with similar properties. This amino acid position is well conserved in available vertebrate species. In addition, the in silico prediction for this alteration is inconclusive. Based on the available evidence, the clinical significance of this variant remains unclear.

Labcorp Genetics (formerly Invitae), Labcorp
Classification: Uncertain significance for Multiple endocrine neoplasia type 4. Last evaluated: 2024-12-29. Review status: criteria provided, single submitter. Criteria: Invitae Variant Classification Sherloc (09022015). Collection method: clinical testing. Allele origin: germline.
Comment: This sequence change replaces glutamic acid, which is acidic and polar, with glycine, which is neutral and non-polar, at codon 75 of the CDKN1B protein (p.Glu75Gly). This variant is not present in population databases (gnomAD no frequency). This variant has not been reported in the literature in individuals affected with CDKN1B-related conditions. ClinVar contains an entry for this variant (Variation ID: 1788387). An algorithm developed to predict the effect of missense changes on protein structure and function (PolyPhen-2) suggests that this variant is likely to be disruptive. In summary, the available evidence is currently insufficient to determine the role of this variant in disease. Therefore, it has been classified as a Variant of Uncertain Significance.